The following is an entry in ClinVar:

NM_001385641.1(SAMD11):c.927A>C (p.Glu309Asp)

Gene: SAMD11 (sterile alpha motif domain containing 11; plus strand). Cytogenetic location: 1p36.33.
Variant type: single nucleotide variant.
Coding change: c.927A>C on transcript NM_001385641.1 (MANE Select); coding-DNA position 927, A replaced by C.
Protein change: p.Glu309Asp; replaces glutamic acid 309 with aspartic acid.
Molecular consequence: missense variant.
Genome position (GRCh38, 1-based): chr1:935,856, A>C. VCF-style: chr1-935856-A-C. GRCh37 (hg19) VCF-style: chr1-871236-A-C.
Other names: c.927A>C, p.Glu309Asp (NM_001385640.1); c.390A>C, p.Glu130Asp (NM_152486.4); short protein forms E130D, E309D.
Identifiers: ClinVar variation 2013657 (VCV002013657.4), dbSNP rs2522659587, ClinGen allele CA337797757.

ClinVar aggregate classification (germline): Uncertain significance (1 of 4 stars; one submission).

Submission:

Labcorp Genetics (formerly Invitae), Labcorp
Classification: Uncertain significance. Last evaluated: 2025-04-28. Review status: criteria provided, single submitter. Criteria: Invitae Variant Classification Sherloc (09022015). Collection method: clinical testing. Allele origin: germline.
Comment: This sequence change replaces glutamic acid, which is acidic and polar, with aspartic acid, which is acidic and polar, at codon 130 of the SAMD11 protein (p.Glu130Asp). This variant is not present in population databases (gnomAD no frequency). This variant has not been reported in the literature in individuals affected with SAMD11-related conditions. ClinVar contains an entry for this variant (Variation ID: 2013657). An algorithm developed to predict the effect of missense changes on protein structure and function outputs the following: PolyPhen-2: "Benign". The aspartic acid amino acid residue is found in multiple mammalian species, which suggests that this missense change does not adversely affect protein function. In summary, the available evidence is currently insufficient to determine the role of this variant in disease. Therefore, it has been classified as a Variant of Uncertain Significance.